The following is an entry in ClinVar:

ClinVar aggregate classification (germline): Uncertain significance (1 of 4 stars; one submission).

Submission:

Labcorp Genetics (formerly Invitae), Labcorp
Classification: Uncertain significance. Last evaluated: 2024-06-11. Review status: criteria provided, single submitter. Criteria: Invitae Variant Classification Sherloc (09022015). Collection method: clinical testing. Allele origin: germline.
Comment: This sequence change replaces isoleucine, which is neutral and non-polar, with methionine, which is neutral and non-polar, at codon 459 of the MCM6 protein (p.Ile459Met). This variant is not present in population databases (gnomAD no frequency). This variant has not been reported in the literature in individuals affected with MCM6-related conditions. An algorithm developed to predict the effect of missense changes on protein structure and function (PolyPhen-2) suggests that this variant is likely to be disruptive. In summary, the available evidence is currently insufficient to determine the role of this variant in disease. Therefore, it has been classified as a Variant of Uncertain Significance.

NM_005915.6(MCM6):c.1377T>G (p.Ile459Met)

Gene: MCM6 (minichromosome maintenance complex component 6; minus strand). Cytogenetic location: 2q21.3.
Variant type: single nucleotide variant.
Coding change: c.1377T>G on transcript NM_005915.6 (MANE Select); coding-DNA position 1377, T replaced by G.
Protein change: p.Ile459Met; replaces isoleucine 459 with methionine.
Molecular consequence: missense variant.
Genome position (GRCh38, 1-based): chr2:135,857,990, A>C on the plus strand (T>G on the coding strand, the complement: MCM6 is on the minus strand). VCF-style: chr2-135857990-A-C. GRCh37 (hg19) VCF-style: chr2-136615560-A-C.
Other names: short protein forms I459M.
Identifiers: ClinVar variation 3622239 (VCV003622239.2).
Genomic context (GRCh38, chr2:135,857,990, plus strand): 5'-CTGTTCCATAGCTTCATGAATAGCAACTTGATCCCGCACGTCCATCTTATCAAATTCATC[A>C]ATACAACACACACCCTGTAACCAAACAAATCAAGCCTAAGAAGCTGTCTTTCAAGCTGGA-3'
Protein context (NP_005906.2, residues 449-469): LMLADNGVCC[Ile459Met]DEFDKMDVRD